The following is an entry in ClinVar:

NM_000108.5(DLD):c.285_286del (p.His96fs)

Gene: DLD (dihydrolipoamide dehydrogenase; plus strand). Cytogenetic location: 7q31.1.
Variant type: Microsatellite.
Coding change: c.285_286del on transcript NM_000108.5 (MANE Select); coding-DNA positions 285 to 286, 2 bases deleted (TC; older notation c.285_286delTC).
Protein change: p.His96fs; shifts the reading frame from histidine 96.
Molecular consequence: frameshift variant. On other transcripts: 5 prime UTR variant (1).
Genome position (GRCh38, 1-based): chr7:107,903,495-107,903,496, TC deleted; deleting any 2 consecutive bases within chr7:107,903,492-107,903,496 gives the same sequence; the c. name uses the placement nearest the transcript's 3' end. VCF-style (leftmost placement, unchanged base first): chr7-107903491-ACT-A. GRCh37 (hg19) VCF-style: chr7-107543936-ACT-A.
Other names: c.-15TC[1] (NM_001289750.1); c.216_217del, p.His73fs (NM_001289751.1); c.285_286del, p.His96fs (NM_001289752.1); short protein forms H73fs, H96fs.
Identifiers: ClinVar variation 1963983 (VCV001963983.7), dbSNP rs2535575866, ClinGen allele CA2580617076.

ClinVar aggregate classification (germline): Pathogenic/Likely pathogenic. Review status: criteria provided, multiple submitters, no conflicts (2 of 4 stars). 2 submissions from 2 submitters: Pathogenic (1); Likely pathogenic (1). Last evaluated 2025-11-03.

Conditions:
Pyruvate dehydrogenase E3 deficiency (DLDD). Also called: Lipoamide dehydrogenase deficiency, lactic acidosis due to; Dihydrolipoamide Dehydrogenase (E3) Deficiency; DLD DEFICIENCY; E3 DEFICIENCY; MAPLE SYRUP URINE DISEASE, TYPE III; Lipoamide dehydrogenase deficiency. Identifiers: Orphanet 2394, Orphanet 765, MedGen C5574660, MONDO:0009529, OMIM 246900.

Submissions (2):

Labcorp Genetics (formerly Invitae), Labcorp
Classification: Pathogenic for Pyruvate dehydrogenase E3 deficiency. Last evaluated: 2025-11-03. Review status: criteria provided, single submitter. Criteria: Invitae Variant Classification Sherloc (09022015). Collection method: clinical testing. Allele origin: germline.
Comment: This sequence change creates a premature translational stop signal (p.His96Leufs*13) in the DLD gene. It is expected to result in an absent or disrupted protein product. Loss-of-function variants in DLD are known to be pathogenic (PMID: 8968745, 9934985). This variant is not present in population databases (gnomAD no frequency). This variant has not been reported in the literature in individuals affected with DLD-related conditions. For these reasons, this variant has been classified as Pathogenic.

Fulgent Genetics
Classification: Likely pathogenic for Pyruvate dehydrogenase E3 deficiency. Last evaluated: 2024-05-13. Review status: criteria provided, single submitter. Criteria: ACMG Guidelines, 2015. Collection method: clinical testing. Allele origin: germline.

Literature cited by the submitters: PubMed 8968745 (cited by Labcorp Genetics (formerly Invitae), Labcorp); PubMed 9934985 (cited by Labcorp Genetics (formerly Invitae), Labcorp).